The following is an entry in ClinVar:

ClinVar aggregate classification (germline): Uncertain significance (1 of 4 stars; one submission).

Submission:

GeneDx
Classification: Uncertain significance. Last evaluated: 2024-05-03. Review status: criteria provided, single submitter. Criteria: GeneDx Variant Classification Process June 2021. Collection method: clinical testing. Allele origin: germline. Affected: yes.
Comment: Not observed at significant frequency in large population cohorts (gnomAD); In silico analysis supports that this missense variant has a deleterious effect on protein structure/function; Has not been previously published as pathogenic or benign to our knowledge

NM_014727.3(KMT2B):c.3802T>C (p.Cys1268Arg)

Gene: KMT2B (lysine methyltransferase 2B; plus strand). Cytogenetic location: 19q13.12.
Variant type: single nucleotide variant.
Coding change: c.3802T>C on transcript NM_014727.3 (MANE Select); coding-DNA position 3802, T replaced by C.
Protein change: p.Cys1268Arg; replaces cysteine 1268 with arginine.
Molecular consequence: missense variant.
Genome position (GRCh38, 1-based): chr19:35,725,735, T>C. VCF-style: chr19-35725735-T-C. GRCh37 (hg19) VCF-style: chr19-36216636-T-C.
Other names: short protein forms C1268R.
Identifiers: ClinVar variation 3376003 (VCV003376003.1).